The following is an entry in ClinVar:

NM_001369.3(DNAH5):c.12330del (p.Asp4110fs)

Gene: DNAH5 (dynein axonemal heavy chain 5; minus strand). Cytogenetic location: 5p15.2.
Variant type: Deletion.
Coding change: c.12330del on transcript NM_001369.3 (MANE Select); coding-DNA position 12330, one base deleted (T; older notation c.12330delT).
Protein change: p.Asp4110fs; shifts the reading frame from aspartic acid 4110.
Molecular consequence: frameshift variant.
Genome position (GRCh38, 1-based): chr5:13,719,051, A deleted on the plus strand (T on the coding strand, the reverse complement: DNAH5 is on the minus strand). VCF-style (leftmost placement, unchanged base first): chr5-13719050-CA-C. GRCh37 (hg19) VCF-style: chr5-13719159-CA-C.
Other names: short protein forms D4110fs.
Identifiers: ClinVar variation 3708073 (VCV003708073.2).

ClinVar aggregate classification (germline): Pathogenic (1 of 4 stars; one submission).

Conditions:
Primary ciliary dyskinesia. Also called: Ciliary dyskinesia. Identifiers: Orphanet 244, MedGen C0008780, MONDO:0016575, HP:0012265.

Submission:

Labcorp Genetics (formerly Invitae), Labcorp
Classification: Pathogenic for Primary ciliary dyskinesia. Last evaluated: 2025-03-27. Review status: criteria provided, single submitter. Criteria: Invitae Variant Classification Sherloc (09022015). Collection method: clinical testing. Allele origin: germline.
Comment: This sequence change creates a premature translational stop signal (p.Asp4110Glufs*3) in the DNAH5 gene. It is expected to result in an absent or disrupted protein product. Loss-of-function variants in DNAH5 are known to be pathogenic (PMID: 11788826, 16627867). This variant is present in population databases (no rsID available, gnomAD 0.003%). This variant has not been reported in the literature in individuals affected with DNAH5-related conditions. For these reasons, this variant has been classified as Pathogenic.

Literature cited by the submitters: PubMed 11788826; PubMed 16627867.